The following is an entry in ClinVar:

NM_170606.3(KMT2C):c.6424G>T (p.Val2142Leu)

Gene: KMT2C (lysine methyltransferase 2C; minus strand). Cytogenetic location: 7q36.1.
Variant type: single nucleotide variant.
Coding change: c.6424G>T on transcript NM_170606.3 (MANE Select); coding-DNA position 6424, G replaced by T.
Protein change: p.Val2142Leu; replaces valine 2142 with leucine.
Molecular consequence: missense variant.
Genome position (GRCh38, 1-based): chr7:152,181,436, C>A on the plus strand (G>T on the coding strand, the complement: KMT2C is on the minus strand). VCF-style: chr7-152181436-C-A. GRCh37 (hg19) VCF-style: chr7-151878521-C-A.
Other names: short protein forms V2142L.
Identifiers: ClinVar variation 3771630 (VCV003771630.13).

ClinVar aggregate classification (germline): Likely benign (1 of 4 stars; one submission).

gnomAD v4.1: 58 of 1,613,764 alleles (0.0036%); highest among the groups gnomAD compares: Non-Finnish European, 0.0047%; no homozygotes.

Submission:

CeGaT Center for Human Genetics Tuebingen
Classification: Likely benign. Last evaluated: 2025-02-01. Review status: criteria provided, single submitter. Criteria: CeGaT Center For Human Genetics Tuebingen Variant Classification Criteria Version 2. Collection method: clinical testing. Allele origin: germline. Affected: yes. Observed: 1 variant allele.
Comment: KMT2C: BP4